The following is an entry in ClinVar:

ClinVar aggregate classification (germline): Pathogenic. Review status: criteria provided, multiple submitters, no conflicts (2 of 4 stars). 4 submissions from 4 submitters: Pathogenic (3). 1 of the submissions does not count toward it. Last evaluated 2023-07-14.

Conditions:
CNNM4-related disorder. Also called: CNNM4-related condition.
Retinal dystrophy. Also called: Inherited retinal dystrophy. Identifiers: Orphanet 71862, MedGen C0854723, MeSH D058499, MONDO:0019118, HP:0000556.
Jalili syndrome. Also called: CONE-ROD DYSTROPHY AND AMELOGENESIS IMPERFECTA. Identifiers: Orphanet 1873, MedGen C3495589, MONDO:0009007, OMIM 217080.

Allele frequency attached by ClinVar (database versions not stated): gnomAD exomes below 0.00001; TOPMed below 0.00001; ExAC 0.00001; gnomAD 0.00001.
gnomAD v4.1: 6 of 1,613,996 alleles (0.00037%); highest among the groups gnomAD compares: Admixed American, 0.0017%; no homozygotes.

Submissions (4):

Labcorp Genetics (formerly Invitae), Labcorp
Classification: Pathogenic. Last evaluated: 2023-07-14. Review status: criteria provided, single submitter. Criteria: Invitae Variant Classification Sherloc (09022015). Collection method: clinical testing. Allele origin: germline.
Comment: This sequence change creates a premature translational stop signal (p.Gln564*) in the CNNM4 gene. It is expected to result in an absent or disrupted protein product. Loss-of-function variants in CNNM4 are known to be pathogenic (PMID: 19200525). For these reasons, this variant has been classified as Pathogenic. ClinVar contains an entry for this variant (Variation ID: 2850). This premature translational stop signal has been observed in individual(s) with clinical features of Jalili Syndrome (PMID: 19200525). This variant is not present in population databases (gnomAD no frequency).

Institute of Human Genetics, Univ. Regensburg, Univ. Regensburg
Classification: Pathogenic for Retinal dystrophy. Last evaluated: 2021-01-01. Review status: criteria provided, single submitter. Criteria: ACMG Guidelines, 2015. Collection method: clinical testing. Allele origin: germline. Affected: yes.

Blueprint Genetics
Classification: Pathogenic for CNNM4-related disorders. Last evaluated: 2020-10-09. Review status: criteria provided, single submitter. Criteria: ACMG Guidelines, 2015. Collection method: clinical testing. Allele origin: germline. Affected: yes. Observed: 1 variant allele.

OMIM
Classification: Pathogenic for JALILI SYNDROME. Last evaluated: 2009-02-01. Review status: no assertion criteria provided. Collection method: literature only. Allele origin: germline. Not counted in ClinVar's aggregate classification.

Literature cited by the submitters: PubMed 19200525 (cited by 3 submitters); PubMed 25525159 (cited by Institute of Human Genetics, Univ. Regensburg, Univ. Regensburg); PubMed 29421294 (cited by Institute of Human Genetics, Univ. Regensburg, Univ. Regensburg).

NM_020184.4(CNNM4):c.1690C>T (p.Gln564Ter)

Gene: CNNM4 (cyclin and CBS domain divalent metal cation transport mediator 4; plus strand). Cytogenetic location: 2q11.2.
Variant type: single nucleotide variant.
Coding change: c.1690C>T on transcript NM_020184.4 (MANE Select); coding-DNA position 1690, C replaced by T.
Protein change: p.Gln564Ter; replaces glutamine 564 with a stop codon.
Molecular consequence: nonsense.
Genome position (GRCh38, 1-based): chr2:96,799,065, C>T. VCF-style: chr2-96799065-C-T. GRCh37 (hg19) VCF-style: chr2-97464802-C-T.
Other names: short protein forms Q564*.
Identifiers: ClinVar variation 2850 (VCV000002850.7), dbSNP rs80100937, ClinGen allele CA115781.